The following is an entry in ClinVar:

NM_000543.5(SMPD1):c.1312A>G (p.Ser438Gly)

Gene: SMPD1 (sphingomyelin phosphodiesterase 1; plus strand). Cytogenetic location: 11p15.4.
Variant type: single nucleotide variant.
Coding change: c.1312A>G on transcript NM_000543.5 (MANE Select); coding-DNA position 1312, A replaced by G.
Protein change: p.Ser438Gly; replaces serine 438 with glycine.
Molecular consequence: missense variant. On other transcripts: non-coding transcript variant (2).
Genome position (GRCh38, 1-based): chr11:6,393,665, A>G. VCF-style: chr11-6393665-A-G. GRCh37 (hg19) VCF-style: chr11-6414895-A-G.
Other names: c.1309A>G, p.Ser437Gly (NM_001007593.3); c.1312A>G, p.Ser438Gly (NM_001318087.2); c.391A>G, p.Ser131Gly (NM_001318088.2); c.1180A>G, p.Ser394Gly (NM_001365135.2); short protein forms S131G, S394G, S437G, S438G.
Identifiers: ClinVar variation 3336576 (VCV003336576.1).

ClinVar aggregate classification (germline): Uncertain significance (1 of 4 stars; one submission).

Submission:

Women's Health and Genetics/Laboratory Corporation of America, LabCorp
Classification: Uncertain significance. Last evaluated: 2024-05-15. Review status: criteria provided, single submitter. Criteria: LabCorp Variant Classification Summary - May 2015. Collection method: clinical testing. Allele origin: germline.
Comment: Variant summary: SMPD1 c.1312A>G (p.Ser438Gly) results in a non-conservative amino acid change located in the Calcineurin-like phosphoesterase domain (ApaH type; IPR004843) of the encoded protein sequence. Four of four in-silico tools predict a damaging effect of the variant on protein function. The variant was absent in 249078 control chromosomes (gnomAD). The available data on variant occurrences in the general population are insufficient to allow any conclusion about variant significance. To our knowledge, no occurrence of c.1312A>G in individuals affected with Niemann-Pick Disease and no experimental evidence demonstrating its impact on protein function have been reported. No submitters have cited clinical-significance assessments for this variant to ClinVar. Based on the evidence outlined above, the variant was classified as uncertain significance.